The following is an entry in ClinVar:

ClinVar aggregate classification (germline): Uncertain significance (1 of 4 stars; one submission).

Allele frequency attached by ClinVar (database versions not stated): gnomAD exomes below 0.00001; ExAC 0.00001; gnomAD 0.00002.
gnomAD v4.1: 6 of 1,613,662 alleles (0.00037%); highest among the groups gnomAD compares: African/African-American, 0.008%; no homozygotes.

Submission:

Labcorp Genetics (formerly Invitae), Labcorp
Classification: Uncertain significance. Last evaluated: 2023-04-25. Review status: criteria provided, single submitter. Criteria: Invitae Variant Classification Sherloc (09022015). Collection method: clinical testing. Allele origin: germline.
Comment: In summary, the available evidence is currently insufficient to determine the role of this variant in disease. Therefore, it has been classified as a Variant of Uncertain Significance. Advanced modeling of protein sequence and biophysical properties (such as structural, functional, and spatial information, amino acid conservation, physicochemical variation, residue mobility, and thermodynamic stability) performed at Invitae indicates that this missense variant is not expected to disrupt DVL3 protein function. This variant has not been reported in the literature in individuals affected with DVL3-related conditions. This variant is present in population databases (rs766562405, gnomAD 0.01%). This sequence change replaces glutamine, which is neutral and polar, with arginine, which is basic and polar, at codon 539 of the DVL3 protein (p.Gln539Arg).

NM_004423.4(DVL3):c.1616A>G (p.Gln539Arg)

Gene: DVL3 (dishevelled segment polarity protein 3; plus strand). Cytogenetic location: 3q27.1.
Variant type: single nucleotide variant.
Coding change: c.1616A>G on transcript NM_004423.4 (MANE Select); coding-DNA position 1616, A replaced by G.
Protein change: p.Gln539Arg; replaces glutamine 539 with arginine.
Molecular consequence: missense variant.
Genome position (GRCh38, 1-based): chr3:184,170,123, A>G. VCF-style: chr3-184170123-A-G. GRCh37 (hg19) VCF-style: chr3-183887911-A-G.
Other names: short protein forms Q539R.
Identifiers: ClinVar variation 2978134 (VCV002978134.3), dbSNP rs766562405, ClinGen allele CA2727471.